The following is an entry in ClinVar:

ClinVar aggregate classification (germline): Uncertain significance (1 of 4 stars; one submission).

Conditions:
Myoclonic dystonia 11 (DYT11). Also called: Myoclonic dystonia; Dystonia 11; Dystonia, alcohol responsive; Hereditary essential myoclonus; SGCE Myoclonus-Dystonia; Myoclonus-Dystonia. Identifiers: Orphanet 36899, MedGen C1834570, MONDO:0008044, OMIM 159900.

Allele frequency attached by ClinVar (database versions not stated): gnomAD exomes below 0.00001.
gnomAD v4.1: 2 of 1,608,434 alleles (0.00012%); highest among the groups gnomAD compares: Non-Finnish European, 0.00017%; no homozygotes.

Submission:

Labcorp Genetics (formerly Invitae), Labcorp
Classification: Uncertain significance for Myoclonic dystonia 11. Last evaluated: 2024-01-14. Review status: criteria provided, single submitter. Criteria: Invitae Variant Classification Sherloc (09022015). Collection method: clinical testing. Allele origin: germline.
Comment: This sequence change falls in intron 3 of the SGCE gene. It does not directly change the encoded amino acid sequence of the SGCE protein. It affects a nucleotide within the consensus splice site. This variant is not present in population databases (gnomAD no frequency). This variant has not been reported in the literature in individuals affected with SGCE-related conditions. Variants that disrupt the consensus splice site are a relatively common cause of aberrant splicing (PMID: 17576681, 9536098). Algorithms developed to predict the effect of sequence changes on RNA splicing suggest that this variant is not likely to affect RNA splicing. In summary, the available evidence is currently insufficient to determine the role of this variant in disease. Therefore, it has been classified as a Variant of Uncertain Significance.

Literature cited by the submitters: PubMed 17576681; PubMed 9536098.

NM_003919.3(SGCE):c.390+4A>G

Genes: CASD1 (CAS1 domain sialic acid O acetyltransferase 1; plus strand), SGCE (sarcoglycan epsilon; minus strand). Cytogenetic location: 7q21.3.
Variant type: single nucleotide variant.
Coding change: c.390+4A>G on transcript NM_003919.3 (MANE Select); 4 bases into the intron after coding-DNA position 390, A replaced by G.
Molecular consequence: intron variant.
Genome position (GRCh38, 1-based): chr7:94,628,198, T>C on the plus strand (A>G on the coding strand, the complement: SGCE is on the minus strand). VCF-style: chr7-94628198-T-C. GRCh37 (hg19) VCF-style: chr7-94257510-T-C.
Other names: c.267+4A>G (NM_001362809.2, NM_001301139.2); c.390+4A>G (NM_001346717.2, NM_001099400.2, NM_001099401.2); c.498+4A>G (NM_001346715.2, NM_001346713.2); c.303+4A>G (NM_001362807.2, NM_001346719.2); c.117+4A>G (NM_001362808.2, NM_001346720.2).
Identifiers: ClinVar variation 2722595 (VCV002722595.3), dbSNP rs2485167774, ClinGen allele CA2683788884.
Genomic context (GRCh38, chr7:94,628,198, plus strand): 5'-ACACACACACACACACACACACACACATATATGTATAGTTTTGCTCTTTCTAGGTGTAAA[T>C]TACCTCAATGATTGTTGGCTTCCCCACATTTTCAGCTGTTGGGGACCCATATAGGACTCC-3'